The following is an entry in ClinVar:

NM_018671.5(UNC45A):c.966G>A (p.Ala322=)

Gene: UNC45A (unc-45 myosin chaperone A; plus strand). Cytogenetic location: 15q26.1.
Variant type: single nucleotide variant.
Coding change: c.966G>A on transcript NM_018671.5 (MANE Select); coding-DNA position 966, G replaced by A.
Protein change: p.Ala322=; no amino-acid change (alanine 322 retained).
Molecular consequence: synonymous variant.
Genome position (GRCh38, 1-based): chr15:90,943,021, G>A. VCF-style: chr15-90943021-G-A. GRCh37 (hg19) VCF-style: chr15-91486251-G-A.
Other names: c.921G>A, p.Ala307= (NM_001039675.2, NM_001323621.2); c.966G>A, p.Ala322= (NM_001323619.1); c.531G>A, p.Ala177= (NM_001323620.2).
Identifiers: ClinVar variation 2645717 (VCV002645717.27), dbSNP rs758148656, ClinGen allele CA7742734.

ClinVar aggregate classification (germline): Likely benign. Review status: criteria provided, multiple submitters, no conflicts (2 of 4 stars). 2 submissions from 2 submitters: Likely benign (2). Last evaluated 2025-04-14.

Allele frequency attached by ClinVar (database versions not stated): ExAC 0.00001; gnomAD 0.00001; gnomAD exomes 0.00001; TOPMed 0.00002.
gnomAD v4.1: 12 of 1,614,030 alleles (0.00074%); highest among the groups gnomAD compares: East Asian, 0.0022%; no homozygotes.

Submissions (2):

Labcorp Genetics (formerly Invitae), Labcorp
Classification: Likely benign. Last evaluated: 2025-04-14. Review status: criteria provided, single submitter. Criteria: Invitae Variant Classification Sherloc (09022015). Collection method: clinical testing. Allele origin: germline.

CeGaT Center for Human Genetics Tuebingen
Classification: Likely benign. Last evaluated: 2022-08-01. Review status: criteria provided, single submitter. Criteria: CeGaT Center For Human Genetics Tuebingen Variant Classification Criteria Version 2. Collection method: clinical testing. Allele origin: germline. Affected: yes. Observed: 1 variant allele.
Comment: UNC45A: BP4, BP7